The following is an entry in ClinVar:

ClinVar aggregate classification (germline): Pathogenic/Likely pathogenic. Review status: criteria provided, multiple submitters, no conflicts (2 of 4 stars). 5 submissions from 5 submitters: Pathogenic (4); Likely pathogenic (1). Last evaluated 2025-09-16.

Conditions:
Cardiovascular phenotype. Identifiers: MedGen CN230736.
Neuromuscular disease caused by qualitative or quantitative defects of dystrophin. Also called: Qualitative or quantitative defects of dystrophin. Identifiers: Orphanet 207085, MedGen C5679787, MONDO:0016147.
Duchenne muscular dystrophy (DMD). Also called: MUSCULAR DYSTROPHY, PSEUDOHYPERTROPHIC PROGRESSIVE, DUCHENNE TYPE; Duchenne Muscular Dystrophy (DMD). Identifiers: Orphanet 98896, MedGen C0013264, MONDO:0010679, OMIM 310200.

Submissions (5):

Ambry Genetics
Classification: Likely pathogenic for Cardiovascular phenotype. Last evaluated: 2025-09-16. Review status: criteria provided, single submitter. Criteria: Ambry Variant Classification Scheme 2023. Collection method: clinical testing. Allele origin: germline.
Comment: The c.2804-2A>C intronic variant results from an A to C substitution two nucleotides upstream from coding exon 22 in the DMD gene. This variant was reported in individual(s) with features consistent with DMD-related dystrophinopathy (Cho A et al. Muscle Nerve, 2017 May;55:727-734; Deburgrave N et al. Hum Mutat, 2007 Feb;28:183-95; Tuffery-Giraud S et al. Neuromuscul Disord, 2004 Oct;14:650-8). This variant is considered to be rare based on population cohorts in the Genome Aggregation Database (gnomAD). This nucleotide position is highly conserved in available vertebrate species. In silico splice site analysis predicts that this alteration will weaken the native splice acceptor site and will result in the creation or strengthening of a novel splice acceptor site. Alterations that disrupt the canonical splice site are expected to cause aberrant splicing, resulting in an abnormal protein or a transcript that is subject to nonsense-mediated mRNA decay. Based on the majority of available evidence to date, this variant is likely to be pathogenic.

Women's Health and Genetics/Laboratory Corporation of America, LabCorp
Classification: Pathogenic for Neuromuscular disease caused by qualitative or quantitative defects of dystrophin. Last evaluated: 2022-03-01. Review status: criteria provided, single submitter. Criteria: LabCorp Variant Classification Summary - May 2015. Collection method: clinical testing. Allele origin: germline.
Comment: Variant summary: DMD c.2804-2A>C is located in a canonical splice-site and is predicted to affect mRNA splicing resulting in a significantly altered protein due to either exon skipping, shortening, or inclusion of intronic material. Several computational tools predict a significant impact on normal splicing: Three predict the variant abolishes a 3 acceptor site. At least one publication reports experimental evidence that this variant affects mRNA splicing (Deburgrave_2007). The variant was absent in 182614 control chromosomes (gnomAD). c.2804-2A>C has been reported in the literature in individuals affected with Duchenne Muscular Dystrophy (Tuffery-Giraud_2004, Deburgrave_2007, Cho_2017). These data indicate that the variant may be associated with disease. Two ClinVar submitters (evaluation after 2014) cite the variant as pathogenic. Based on the evidence outlined above, the variant was classified as pathogenic.

Revvity Omics, Revvity
Classification: Pathogenic. Last evaluated: 2021-02-23. Review status: criteria provided, single submitter. Criteria: ACMG Guidelines, 2015. Collection method: clinical testing. Allele origin: germline.

Labcorp Genetics (formerly Invitae), Labcorp
Classification: Pathogenic for Duchenne muscular dystrophy. Last evaluated: 2021-01-14. Review status: criteria provided, single submitter. Criteria: Invitae Variant Classification Sherloc (09022015). Collection method: clinical testing. Allele origin: germline.
Comment: Donor and acceptor splice site variants typically lead to a loss of protein function (PMID: 16199547), and loss-of-function variants in DMD are known to be pathogenic (PMID: 16770791, 25007885). This variant has been observed to be hemizygous in individuals affected with Duchenne or Becker muscular dystrophy (PMID: 15351422, 27593222). ClinVar contains an entry for this variant (Variation ID: 217190). For these reasons, this variant has been classified as Pathogenic. This variant is not present in population databases (ExAC no frequency). This sequence change affects an acceptor splice site in intron 21 of the DMD gene. It is expected to disrupt RNA splicing and likely results in an absent or disrupted protein product.

Athena Diagnostics
Classification: Pathogenic for Duchenne muscular dystrophy. Last evaluated: 2013-10-21. Review status: criteria provided, single submitter. Criteria: Athena Diagnostics Criteria. Collection method: clinical testing. Allele origin: germline. Inheritance: X-linked recessive inheritance.
Comment: X-linked recessive inheritance

Literature cited by the submitters: PubMed 15351422 (cited by 4 submitters); PubMed 17041906 (cited by Ambry Genetics and Women's Health and Genetics/Laboratory Corporation of America, LabCorp); PubMed 27593222 (cited by 3 submitters); PubMed 16199547 (cited by Labcorp Genetics (formerly Invitae), Labcorp); PubMed 16770791 (cited by Labcorp Genetics (formerly Invitae), Labcorp); PubMed 25007885 (cited by Labcorp Genetics (formerly Invitae), Labcorp).

NM_004006.3(DMD):c.2804-2A>C

Gene: DMD (dystrophin; minus strand). Cytogenetic location: Xp21.1.
Variant type: single nucleotide variant.
Coding change: c.2804-2A>C on transcript NM_004006.3 (MANE Select); the canonical splice acceptor site of the intron before coding-DNA position 2804, A replaced by C.
Molecular consequence: splice acceptor variant.
Genome position (GRCh38, 1-based): chrX:32,472,311, T>G on the plus strand (A>C on the coding strand, the complement: DMD is on the minus strand). VCF-style: chrX-32472311-T-G. GRCh37 (hg19) VCF-style: chrX-32490428-T-G.
Other names: c.2780-2A>C (NM_000109.4); c.2792-2A>C (NM_004009.3); c.2435-2A>C (NM_004010.3).
Identifiers: ClinVar variation 217190 (VCV000217190.16), dbSNP rs794727357, ClinGen allele CA347584.